The following is an entry in ClinVar:

ClinVar aggregate classification (germline): Uncertain significance (1 of 4 stars; one submission).

Submission:

Labcorp Genetics (formerly Invitae), Labcorp
Classification: Uncertain significance. Last evaluated: 2026-01-08. Review status: criteria provided, single submitter. Criteria: Invitae Variant Classification Sherloc (09022015). Collection method: clinical testing. Allele origin: germline.
Comment: This sequence change replaces methionine, which is neutral and non-polar, with isoleucine, which is neutral and non-polar, at codon 527 of the TOP3A protein (p.Met527Ile). This variant is not present in population databases (gnomAD no frequency). This variant has not been reported in the literature in individuals affected with TOP3A-related conditions. An algorithm developed to predict the effect of missense changes on protein structure and function (PolyPhen-2) suggests that this variant is likely to be disruptive. In summary, the available evidence is currently insufficient to determine the role of this variant in disease. Therefore, it has been classified as a Variant of Uncertain Significance.

NM_004618.5(TOP3A):c.1581G>A (p.Met527Ile)

Gene: TOP3A (DNA topoisomerase III alpha; minus strand). Cytogenetic location: 17p11.2.
Variant type: single nucleotide variant.
Coding change: c.1581G>A on transcript NM_004618.5 (MANE Select); coding-DNA position 1581, G replaced by A.
Protein change: p.Met527Ile; replaces methionine 527 with isoleucine.
Molecular consequence: missense variant.
Genome position (GRCh38, 1-based): chr17:18,290,573, C>T on the plus strand (G>A on the coding strand, the complement: TOP3A is on the minus strand). VCF-style: chr17-18290573-C-T. GRCh37 (hg19) VCF-style: chr17-18193887-C-T.
Other names: c.1296G>A, p.Met432Ile (NM_001320759.2); short protein forms M432I, M527I.
Identifiers: ClinVar variation 4734163 (VCV004734163.1).
Genomic context (GRCh38, chr17:18,290,573, plus strand): 5'-AGCCTTAGCTCAAGAGATGCGAGTTACCCAGAGGAGCCACTGACCAATGCCATGCTTCTC[C>T]ATGAGGGCAATGAGGTCGGCCTCGGTGAGCAGCTTGGGTGGGCTGGTCTCCCCGTCCACC-3'
Protein context (NP_004609.1, residues 517-537): LLTEADLIAL[Met527Ile]EKHGIGTDAT